The following is an entry in ClinVar:

ClinVar aggregate classification (germline): Uncertain significance (1 of 4 stars; one submission).

Conditions:
Inborn genetic diseases. Identifiers: MedGen C0950123, MeSH D030342.

gnomAD v4.1: 2 of 1,613,070 alleles (0.00012%); highest among the groups gnomAD compares: East Asian, 0.0022%; no homozygotes.

Submission:

Ambry Genetics
Classification: Uncertain significance for Inborn genetic diseases. Last evaluated: 2024-12-08. Review status: criteria provided, single submitter. Criteria: Ambry Variant Classification Scheme 2023. Collection method: clinical testing. Allele origin: germline.
Comment: The p.R360G variant (also known as c.1078C>G), located in coding exon 12 of the FANCA gene, results from a C to G substitution at nucleotide position 1078. The arginine at codon 360 is replaced by glycine, an amino acid with dissimilar properties. This amino acid position is conserved. In addition, the in silico prediction for this alteration is inconclusive. Based on the available evidence, the clinical significance of this variant remains unclear.

NM_000135.4(FANCA):c.1078C>G (p.Arg360Gly)

Gene: FANCA (FA complementation group A; minus strand). Cytogenetic location: 16q24.3.
Variant type: single nucleotide variant.
Coding change: c.1078C>G on transcript NM_000135.4 (MANE Select); coding-DNA position 1078, C replaced by G.
Protein change: p.Arg360Gly; replaces arginine 360 with glycine.
Molecular consequence: missense variant.
Genome position (GRCh38, 1-based): chr16:89,792,476, G>C on the plus strand (C>G on the coding strand, the complement: FANCA is on the minus strand). VCF-style: chr16-89792476-G-C. GRCh37 (hg19) VCF-style: chr16-89858884-G-C.
Other names: c.1078C>G, p.Arg360Gly (NM_001286167.3); short protein forms R360G.
Identifiers: ClinVar variation 3512721 (VCV003512721.1).